The following is an entry in ClinVar:

NM_005245.4(FAT1):c.10015A>G (p.Thr3339Ala)

Gene: FAT1 (FAT atypical cadherin 1; minus strand). Cytogenetic location: 4q35.2.
Variant type: single nucleotide variant.
Coding change: c.10015A>G on transcript NM_005245.4 (MANE Select); coding-DNA position 10015, A replaced by G.
Protein change: p.Thr3339Ala; replaces threonine 3339 with alanine.
Molecular consequence: missense variant.
Genome position (GRCh38, 1-based): chr4:186,609,854, T>C on the plus strand (A>G on the coding strand, the complement: FAT1 is on the minus strand). VCF-style: chr4-186609854-T-C. GRCh37 (hg19) VCF-style: chr4-187531008-T-C.
Other names: short protein forms T3339A.
Identifiers: ClinVar variation 1308993 (VCV001308993.5), dbSNP rs369520687, ClinGen allele CA112150069.

ClinVar aggregate classification (germline): Uncertain significance. Review status: criteria provided, multiple submitters, no conflicts (2 of 4 stars). 2 submissions from 2 submitters: Uncertain significance (2). Last evaluated 2025-01-27.

Conditions:
Inborn genetic diseases. Identifiers: MedGen C0950123, MeSH D030342.

Allele frequency attached by ClinVar (database versions not stated): gnomAD exomes below 0.00001 and 0.00001; gnomAD 0.00004 and 0.00005; TOPMed 0.00008.
gnomAD v4.1: 16 of 1,612,930 alleles (0.00099%); highest among the groups gnomAD compares: African/African-American, 0.02%; no homozygotes.

Submissions (2):

Ambry Genetics
Classification: Uncertain significance for Inborn genetic diseases. Last evaluated: 2025-01-27. Review status: criteria provided, single submitter. Criteria: Ambry Variant Classification Scheme 2023. Collection method: clinical testing. Allele origin: germline.

GeneDx
Classification: Uncertain significance. Last evaluated: 2019-10-15. Review status: criteria provided, single submitter. Criteria: GeneDx Variant Classification Process June 2021. Collection method: clinical testing. Allele origin: germline. Affected: yes.
Comment: In silico analysis, which includes protein predictors and evolutionary conservation, supports that this variant does not alter protein structure/function; Has not been previously published as pathogenic or benign to our knowledge